The following is an entry in ClinVar:

NM_024753.5(TTC21B):c.530A>G (p.Asp177Gly)

Genes: TTC21B (tetratricopeptide repeat domain 21B; minus strand), TTC21B-AS1 (TTC21B antisense RNA 1; plus strand). Cytogenetic location: 2q24.3.
Variant type: single nucleotide variant.
Coding change: c.530A>G on transcript NM_024753.5 (MANE Select); coding-DNA position 530, A replaced by G.
Protein change: p.Asp177Gly; replaces aspartic acid 177 with glycine.
Molecular consequence: missense variant.
Genome position (GRCh38, 1-based): chr2:165,943,241, T>C on the plus strand (A>G on the coding strand, the complement: TTC21B is on the minus strand). VCF-style: chr2-165943241-T-C. GRCh37 (hg19) VCF-style: chr2-166799751-T-C.
Other names: c.530A>G (NM_024753.4); short protein forms D177G.
Identifiers: ClinVar variation 4957368 (VCV004957368.2).
Genomic context (GRCh38, chr2:165,943,241, plus strand): 5'-TTTTGAAACATGATTTATTTACCCTAACTCCAACTCACCTTACCCAGCAGAGCAAAAGTA[T>C]CATTCCCATCTTGGAGTCCCTCTTCAAAATACTTCAGTGCTTTTTTAGTGTAAGGCTCTT-3'
Protein context (NP_079029.3, residues 167-187): YFEEGLQDGN[Asp177Gly]TFALLGKAQC

ClinVar aggregate classification (germline): Uncertain significance. Review status: criteria provided, multiple submitters, no conflicts (2 of 4 stars). 2 submissions from 2 submitters: Uncertain significance (2). Last evaluated 2026-01-04.

Conditions:
TTC21B-related disorder. Also called: TTC21B-related condition; TTC21B-related disorders.

gnomAD v4.1: 16 of 1,613,568 alleles (0.00099%); highest among the groups gnomAD compares: Non-Finnish European, 0.0014%; no homozygotes.

Submissions (2):

PreventionGenetics, part of Exact Sciences
Classification: Uncertain significance for TTC21B-related condition. Last evaluated: 2026-01-04. Review status: criteria provided, single submitter. Criteria: ACMG Guidelines, 2015. Collection method: clinical testing. Allele origin: germline.
Comment: The TTC21B c.530A>G variant is predicted to result in the amino acid substitution p.Asp177Gly. To our knowledge, this variant has not been reported in the literature or in a large population database (gnomAD), indicating this variant is rare. At this time, the clinical significance of this variant is uncertain due to the absence of conclusive functional and genetic evidence.

Blueprint Genetics
Classification: Uncertain significance. Last evaluated: 2019-07-23. Review status: criteria provided, single submitter. Criteria: ACMG Guidelines, 2015. Collection method: clinical testing. Allele origin: germline.